The following is an entry in ClinVar:

NM_007192.4(SUPT16H):c.3092C>T (p.Ser1031Phe)

Genes: SUPT16H (SPT16 homolog, facilitates chromatin remodeling subunit; minus strand), LOC126861887 (BRD4-independent group 4 enhancer GRCh37_chr14:21820143-21821342; plus strand). Cytogenetic location: 14q11.2.
Variant type: single nucleotide variant.
Coding change: c.3092C>T on transcript NM_007192.4 (MANE Select); coding-DNA position 3092, C replaced by T.
Protein change: p.Ser1031Phe; replaces serine 1031 with phenylalanine.
Molecular consequence: missense variant.
Genome position (GRCh38, 1-based): chr14:21,352,725, G>A on the plus strand (C>T on the coding strand, the complement: SUPT16H is on the minus strand). VCF-style: chr14-21352725-G-A. GRCh37 (hg19) VCF-style: chr14-21820884-G-A.
Other names: short protein forms S1031F.
Identifiers: ClinVar variation 2672185 (VCV002672185.1), dbSNP rs1381614412, ClinGen allele CA388858831.

ClinVar aggregate classification (germline): Uncertain significance (1 of 4 stars; one submission).

Conditions:
Neurodevelopmental disorder with dysmorphic facies and thin corpus callosum. Identifiers: MedGen C5551361, MONDO:0859179, OMIM 619480.

Allele frequency attached by ClinVar (database versions not stated): TOPMed below 0.00001; gnomAD 0.00001.
gnomAD v4.1: 4 of 1,614,052 alleles (0.00025%); highest among the groups gnomAD compares: Non-Finnish European, 0.00034%; no homozygotes.

Submission:

Clinical Genomics Laboratory, Washington University in St. Louis
Classification: Uncertain significance for Neurodevelopmental disorder with dysmorphic facies and thin corpus callosum. Last evaluated: 2023-11-03. Review status: criteria provided, single submitter. Criteria: ACMG Guidelines, 2015. Collection method: clinical testing. Allele origin: germline.
Comment: The SUPT16H c.3092C>T (p.Ser1031Phe) variant, to our knowledge, has not been reported in the medical literature and is only observed on 1/249,996 alleles in the general population (gnomAD v.2.1.1), indicating it is not a common variant. This variant occurs in a disordered domain that wraps around the DNA-binding surface of H2A-H2B (Liu Y et al., PMID: 31775157) and changes a polar serine to a nonpolar phenylalanine, but computational predictors suggest that the variant does not impact SUPT16H function. Due to limited information, and based on ACMG/AMP guidelines for variant interpretation (Richards S et al., PMID: 25741868), the clinical significance of this variant is uncertain at this time.